The following is an entry in ClinVar:

ClinVar aggregate classification (germline): Uncertain significance. Review status: criteria provided, multiple submitters, no conflicts (2 of 4 stars). 4 submissions from 4 submitters: Uncertain significance (2). 2 of the submissions do not count toward it. Last evaluated 2024-05-21.

Conditions:
Asphyxiating thoracic dystrophy 3. Also called: Short rib polydactyly syndrome 2B; POLYDACTYLY WITH NEONATAL CHONDRODYSTROPHY, TYPE I; SHORT-RIB THORACIC DYSPLASIA 3/6 WITH POLYDACTYLY, DIGENIC; Saldino-Noonan Syndrome; SHORT-RIB THORACIC DYSPLASIA 3 WITH OR WITHOUT POLYDACTYLY. Identifiers: Orphanet 474, Orphanet 93269, Orphanet 93270, Orphanet 93271, MedGen C0036069, MONDO:0013127, OMIM 613091.

Allele frequency attached by ClinVar (database versions not stated): TOPMed below 0.00001; gnomAD 0.00001.
gnomAD v4.1: 1 of 1,611,598 alleles (0.000062%); highest among the groups gnomAD compares: Non-Finnish European, 0.000085%; no homozygotes.

Submissions (4):

Women's Health and Genetics/Laboratory Corporation of America, LabCorp
Classification: Uncertain significance. Last evaluated: 2024-05-21. Review status: criteria provided, single submitter. Criteria: LabCorp Variant Classification Summary - May 2015. Collection method: clinical testing. Allele origin: germline.
Comment: Variant summary: DYNC2H1 c.6866T>C (p.Leu2289Pro) results in a non-conservative amino acid change located in the AAA+ ATPase domain (IPR003593) of the encoded protein sequence. Five of five in-silico tools predict a damaging effect of the variant on protein function. The variant allele was found at a frequency of 6.2e-07 in 1611598 control chromosomes. c.6866T>C has been reported in the literature in compound heterozygous state with a pathogenic variant in an individual affected with Short-rib thoracic dysplasia (Zhang_2018). These data do not allow any conclusion about variant significance. To our knowledge, no experimental evidence demonstrating an impact on protein function has been reported. The following publication has been ascertained in the context of this evaluation (PMID: 29068549). ClinVar contains an entry for this variant (Variation ID: 446594). Based on the evidence outlined above, the variant was classified as uncertain significance.

Greenwood Genetic Center Diagnostic Laboratories, Greenwood Genetic Center
Classification: Uncertain significance. Last evaluated: 2023-03-21. Review status: criteria provided, single submitter. Criteria: ACMG Guidelines, 2015. Collection method: clinical testing. Allele origin: germline. Affected: yes.
Comment: PM1, PM2,

Dan Cohn Lab, University Of California Los Angeles
Classification: Pathogenic for Asphyxiating thoracic dystrophy 3. Last evaluated: 2017-06-01. Review status: no assertion criteria provided. Collection method: research. Allele origin: unknown. Affected: yes. Not counted in ClinVar's aggregate classification.

University of Washington Center for Mendelian Genomics, University of Washington
Classification: Likely pathogenic for Asphyxiating thoracic dystrophy 3. Review status: no assertion criteria provided. Collection method: research. Allele origin: inherited. Affected: yes. Not counted in ClinVar's aggregate classification.

Literature cited by the submitters: PubMed 29068549 (cited by 3 submitters).

NM_001377.3(DYNC2H1):c.6866T>C (p.Leu2289Pro)

Gene: DYNC2H1 (dynein cytoplasmic 2 heavy chain 1; plus strand). Cytogenetic location: 11q22.3.
Variant type: single nucleotide variant.
Coding change: c.6866T>C on transcript NM_001377.3 (MANE Select); coding-DNA position 6866, T replaced by C.
Protein change: p.Leu2289Pro; replaces leucine 2289 with proline.
Molecular consequence: missense variant.
Genome position (GRCh38, 1-based): chr11:103,186,474, T>C. VCF-style: chr11-103186474-T-C. GRCh37 (hg19) VCF-style: chr11-103057203-T-C.
Other names: c.6866T>C, p.Leu2289Pro (NM_001080463.2); short protein forms L2289P.
Identifiers: ClinVar variation 446594 (VCV000446594.5), dbSNP rs1555061205, ClinGen allele CA382250717.